The following is an entry in ClinVar:

NM_000059.4(BRCA2):c.3582C>G (p.Gly1194=)

Gene: BRCA2 (BRCA2 DNA repair associated; plus strand). Cytogenetic location: 13q13.1.
Variant type: single nucleotide variant.
Coding change: c.3582C>G on transcript NM_000059.4 (MANE Select); coding-DNA position 3582, C replaced by G.
Protein change: p.Gly1194=; no amino-acid change (glycine 1194 retained).
Molecular consequence: synonymous variant.
Genome position (GRCh38, 1-based): chr13:32,337,937, C>G. VCF-style: chr13-32337937-C-G. GRCh37 (hg19) VCF-style: chr13-32912074-C-G.
Identifiers: ClinVar variation 427515 (VCV000427515.7), dbSNP rs746734303, ClinGen allele CA6940704.

ClinVar aggregate classification (germline): Likely benign. Review status: reviewed by expert panel (3 of 4 stars). 3 submissions from 3 submitters: Likely benign (1). 2 of the submissions do not count toward it. Last evaluated 2017-06-29.

Conditions:
Hereditary cancer-predisposing syndrome. Also called: Hereditary neoplastic syndrome; Hereditary Cancer Syndrome; Neoplastic Syndromes, Hereditary; Tumor predisposition. Identifiers: Orphanet 140162, MedGen C0027672, MeSH D009386, MONDO:0015356.
Breast-ovarian cancer, familial, susceptibility to, 2 (BROVCA2). Also called: BRCA2 Hereditary Breast and Ovarian Cancer. Identifiers: Orphanet 145, MedGen C2675520, MONDO:0012933, OMIM 612555. Disease mechanism: loss of function.
Hereditary breast ovarian cancer syndrome. Also called: Hereditary breast and ovarian cancer syndrome; BRCA1- and BRCA2-Associated Hereditary Breast and Ovarian Cancer; Hereditary breast and/or ovarian cancer syndrome; Hereditary breast and ovarian cancer; Breast and ovarian cancer; Hereditary breast and ovarian cancer syndrome (HBOC). Identifiers: Orphanet 145, MedGen C0677776, MeSH D061325, MONDO:0003582. Disease mechanism: loss of function.

Allele frequency attached by ClinVar (database versions not stated): gnomAD exomes below 0.00001; ExAC 0.00001.
gnomAD v4.1: 1 of 1,613,960 alleles (0.000062%); highest among the groups gnomAD compares: Non-Finnish European, 0.000085%; no homozygotes.

Submissions (3):

Evidence-based Network for the Interpretation of Germline Mutant Alleles (ENIGMA)
Classification: Likely benign for Breast-ovarian cancer, familial, susceptibility to, 2. Last evaluated: 2017-06-29. Review status: reviewed by expert panel. Criteria: ENIGMA BRCA1/2 Classification Criteria (2017-06-29). Collection method: curation. Allele origin: germline.
Comment: Synonymous substitution variant, with low bioinformatic likelihood to result in a splicing aberration (Splicing prior probability 0.02).

Ambry Genetics
Classification: Likely benign for Hereditary cancer-predisposing syndrome. Last evaluated: 2025-01-31. Review status: criteria provided, single submitter. Criteria: Ambry Variant Classification Scheme 2023. Collection method: clinical testing. Allele origin: germline. Not counted in ClinVar's aggregate classification.

Labcorp Genetics (formerly Invitae), Labcorp
Classification: Likely benign for Hereditary breast ovarian cancer syndrome. Last evaluated: 2023-04-09. Review status: criteria provided, single submitter. Criteria: Invitae Variant Classification Sherloc (09022015). Collection method: clinical testing. Allele origin: germline. Not counted in ClinVar's aggregate classification.